The following is an entry in ClinVar:

NM_001164665.2(KIAA1549):c.5412G>A (p.Met1804Ile)

Gene: KIAA1549 (KIAA1549; minus strand). Cytogenetic location: 7q34.
Variant type: single nucleotide variant.
Coding change: c.5412G>A on transcript NM_001164665.2 (MANE Select); coding-DNA position 5412, G replaced by A.
Protein change: p.Met1804Ile; replaces methionine 1804 with isoleucine.
Molecular consequence: missense variant.
Genome position (GRCh38, 1-based): chr7:138,844,357, C>T on the plus strand (G>A on the coding strand, the complement: KIAA1549 is on the minus strand). VCF-style: chr7-138844357-C-T. GRCh37 (hg19) VCF-style: chr7-138529102-C-T.
Other names: c.5412G>A, p.Met1804Ile (NM_020910.3); short protein forms M1804I.
Identifiers: ClinVar variation 956934 (VCV000956934.10), dbSNP rs1276097408, ClinGen allele CA369388467.

ClinVar aggregate classification (germline): Uncertain significance. Review status: criteria provided, multiple submitters, no conflicts (2 of 4 stars). 2 submissions from 2 submitters: Uncertain significance (2). Last evaluated 2025-10-02.

Conditions:
Inborn genetic diseases. Identifiers: MedGen C0950123, MeSH D030342.

Allele frequency attached by ClinVar (database versions not stated): gnomAD 0.00001; TOPMed 0.00001.

Submissions (2):

Ambry Genetics
Classification: Uncertain significance for Inborn genetic diseases. Last evaluated: 2025-10-02. Review status: criteria provided, single submitter. Criteria: Ambry Variant Classification Scheme 2023. Collection method: clinical testing. Allele origin: germline.

Labcorp Genetics (formerly Invitae), Labcorp
Classification: Uncertain significance. Last evaluated: 2022-06-17. Review status: criteria provided, single submitter. Criteria: Invitae Variant Classification Sherloc (09022015). Collection method: clinical testing. Allele origin: germline.
Comment: In summary, the available evidence is currently insufficient to determine the role of this variant in disease. Therefore, it has been classified as a Variant of Uncertain Significance. Algorithms developed to predict the effect of missense changes on protein structure and function output the following: SIFT: "Tolerated"; PolyPhen-2: "Benign"; Align-GVGD: "Class C0". The isoleucine amino acid residue is found in multiple mammalian species, which suggests that this missense change does not adversely affect protein function. ClinVar contains an entry for this variant (Variation ID: 956934). This variant has not been reported in the literature in individuals affected with KIAA1549-related conditions. This variant is present in population databases (no rsID available, gnomAD 0.007%). This sequence change replaces methionine, which is neutral and non-polar, with isoleucine, which is neutral and non-polar, at codon 1804 of the KIAA1549 protein (p.Met1804Ile).